The following is an entry in ClinVar:

NM_001371928.1(AHDC1):c.4412G>T (p.Gly1471Val)

Gene: AHDC1 (AT-hook DNA binding motif containing 1; minus strand). Cytogenetic location: 1p36.11.
Variant type: single nucleotide variant.
Coding change: c.4412G>T on transcript NM_001371928.1 (MANE Select); coding-DNA position 4412, G replaced by T.
Protein change: p.Gly1471Val; replaces glycine 1471 with valine.
Molecular consequence: missense variant.
Genome position (GRCh38, 1-based): chr1:27,547,704, C>A on the plus strand (G>T on the coding strand, the complement: AHDC1 is on the minus strand). VCF-style: chr1-27547704-C-A. GRCh37 (hg19) VCF-style: chr1-27874215-C-A.
Other names: c.4412G>T, p.Gly1471Val (NM_001029882.3); short protein forms G1471V.
Identifiers: ClinVar variation 3685747 (VCV003685747.2).

ClinVar aggregate classification (germline): Uncertain significance (1 of 4 stars; one submission).

gnomAD v4.1: 13 of 1,596,440 alleles (0.00081%); highest among the groups gnomAD compares: East Asian, 0.027%; no homozygotes.

Submission:

Labcorp Genetics (formerly Invitae), Labcorp
Classification: Uncertain significance. Last evaluated: 2024-11-07. Review status: criteria provided, single submitter. Criteria: Invitae Variant Classification Sherloc (09022015). Collection method: clinical testing. Allele origin: germline.
Comment: This sequence change replaces glycine, which is neutral and non-polar, with valine, which is neutral and non-polar, at codon 1471 of the AHDC1 protein (p.Gly1471Val). The frequency data for this variant in the population databases is considered unreliable, as metrics indicate poor data quality at this position in the gnomAD database. This variant has not been reported in the literature in individuals affected with AHDC1-related conditions. An algorithm developed to predict the effect of missense changes on protein structure and function (PolyPhen-2) suggests that this variant is likely to be disruptive. In summary, the available evidence is currently insufficient to determine the role of this variant in disease. Therefore, it has been classified as a Variant of Uncertain Significance.